The following is an entry in ClinVar:

ClinVar aggregate classification (germline): Conflicting classifications of pathogenicity. Review status: criteria provided, conflicting classifications (1 of 4 stars). 5 submissions from 5 submitters: Uncertain significance (4); Likely benign (1). Last evaluated 2025-03-04.

Conditions:
BAP1-related disorder. Also called: BAP1-related condition.
Hereditary cancer-predisposing syndrome. Also called: Neoplastic Syndromes, Hereditary; Hereditary neoplastic syndrome; Tumor predisposition; Hereditary Cancer Syndrome. Identifiers: Orphanet 140162, MedGen C0027672, MeSH D009386, MONDO:0015356.
BAP1-related tumor predisposition syndrome (TPDS1). Also called: Tumor susceptibility linked to germline BAP1 mutations; BAP1 tumor predisposition syndrome; COMMON Syndrome; TUMOR PREDISPOSITION SYNDROME 1. Identifiers: Orphanet 289539, MedGen C3280492, MONDO:0013692, OMIM 614327.

Allele frequency attached by ClinVar (database versions not stated): gnomAD exomes 0.00001.
gnomAD v4.1: 3 of 1,614,172 alleles (0.00019%); highest among the groups gnomAD compares: Non-Finnish European, 0.00025%; no homozygotes.

Submissions (5):

Labcorp Genetics (formerly Invitae), Labcorp
Classification: Uncertain significance for BAP1-related tumor predisposition syndrome. Last evaluated: 2025-03-04. Review status: criteria provided, single submitter. Criteria: Invitae Variant Classification Sherloc (09022015). Collection method: clinical testing. Allele origin: germline.
Comment: This sequence change replaces glutamine, which is neutral and polar, with arginine, which is basic and polar, at codon 260 of the BAP1 protein (p.Gln260Arg). This variant is present in population databases (no rsID available, gnomAD 0.002%). This variant has not been reported in the literature in individuals affected with BAP1-related conditions. ClinVar contains an entry for this variant (Variation ID: 240066). Invitae Evidence Modeling of protein sequence and biophysical properties (such as structural, functional, and spatial information, amino acid conservation, physicochemical variation, residue mobility, and thermodynamic stability) indicates that this missense variant is not expected to disrupt BAP1 protein function with a negative predictive value of 80%. In summary, the available evidence is currently insufficient to determine the role of this variant in disease. Therefore, it has been classified as a Variant of Uncertain Significance.

Ambry Genetics
Classification: Uncertain significance for Hereditary cancer-predisposing syndrome. Last evaluated: 2024-10-17. Review status: criteria provided, single submitter. Criteria: Ambry Variant Classification Scheme 2023. Collection method: clinical testing. Allele origin: germline.
Comment: The p.Q260R variant (also known as c.779A>G), located in coding exon 9 of the BAP1 gene, results from an A to G substitution at nucleotide position 779. The glutamine at codon 260 is replaced by arginine, an amino acid with highly similar properties. This amino acid position is conserved. In addition, the in silico prediction for this alteration is inconclusive. Since supporting evidence is limited at this time, the clinical significance of this alteration remains unclear.

Myriad Genetics, Inc.
Classification: Likely benign for BAP1-related tumor predisposition syndrome. Last evaluated: 2024-07-15. Review status: criteria provided, single submitter. Criteria: Myriad Autosomal Dominant, Autosomal Recessive and X-Linked Classification Criteria (2023). Collection method: clinical testing. Allele origin: unknown.
Comment: This variant is considered likely benign. This variant has been observed at a population frequency that is significantly greater than expected given the associated disease prevalence and penetrance.

Color Diagnostics, LLC DBA Color Health
Classification: Uncertain significance for Hereditary cancer-predisposing syndrome. Last evaluated: 2024-03-06. Review status: criteria provided, single submitter. Criteria: ACMG Guidelines, 2015. Collection method: clinical testing. Allele origin: germline.
Comment: This missense variant replaces glutamine with arginine at codon 260 of the BAP1 protein. Computational prediction suggests that this variant may not impact protein structure and function (internally defined REVEL score threshold <= 0.5, PMID: 27666373). To our knowledge, functional studies have not been reported for this variant. This variant has not been reported in individuals affected with hereditary cancer in the literature. This variant has been identified in 2/251282 chromosomes in the general population by the Genome Aggregation Database (gnomAD). The available evidence is insufficient to determine the role of this variant in disease conclusively. Therefore, this variant is classified as a Variant of Uncertain Significance.

PreventionGenetics, part of Exact Sciences
Classification: Uncertain significance for BAP1-related condition. Last evaluated: 2023-10-11. Review status: criteria provided, single submitter. Criteria: ACMG Guidelines, 2015. Collection method: clinical testing. Allele origin: germline.
Comment: The BAP1 c.779A>G variant is predicted to result in the amino acid substitution p.Gln260Arg. To our knowledge, this variant has not been reported in the literature. This variant is reported in 2 of ~251,000 alleles in gnomAD. It is interpreted as uncertain significance in ClinVar. At this time, the clinical significance of this variant is uncertain due to the absence of conclusive functional and genetic evidence.

NM_004656.4(BAP1):c.779A>G (p.Gln260Arg)

Gene: BAP1 (BRCA1 associated deubiquitinase 1; minus strand). Cytogenetic location: 3p21.1.
Variant type: single nucleotide variant.
Coding change: c.779A>G on transcript NM_004656.4 (MANE Select); coding-DNA position 779, A replaced by G.
Protein change: p.Gln260Arg; replaces glutamine 260 with arginine.
Molecular consequence: missense variant.
Genome position (GRCh38, 1-based): chr3:52,406,257, T>C on the plus strand (A>G on the coding strand, the complement: BAP1 is on the minus strand). VCF-style: chr3-52406257-T-C. GRCh37 (hg19) VCF-style: chr3-52440273-T-C.
Other names: short protein forms Q260R.
Identifiers: ClinVar variation 240066 (VCV000240066.16), dbSNP rs878854742, ClinGen allele CA10582201.